The following is an entry in ClinVar:

NM_003106.4(SOX2):c.758del (p.Pro253fs)

Genes: SOX2 (SRY-box transcription factor 2; plus strand), SOX2-OT (SOX2 overlapping transcript; plus strand). Cytogenetic location: 3q26.33.
Variant type: Deletion.
Coding change: c.758del on transcript NM_003106.4 (MANE Select); coding-DNA position 758, one base deleted (C; older notation c.758delC).
Protein change: p.Pro253fs; shifts the reading frame from proline 253.
Molecular consequence: frameshift variant.
Genome position (GRCh38, 1-based): chr3:181,713,118, C deleted; the last of 6 consecutive C bases (chr3:181,713,113-181,713,118); deleting any one gives the same sequence. VCF-style (leftmost placement, unchanged base first): chr3-181713112-GC-G. GRCh37 (hg19) VCF-style: chr3-181430900-GC-G.
Other names: short protein forms P253fs.
Identifiers: ClinVar variation 3338557 (VCV003338557.1).

ClinVar aggregate classification (germline): Likely pathogenic (1 of 4 stars; one submission).

Conditions:
Anophthalmia/microphthalmia-esophageal atresia syndrome (MCOPS3). Also called: SOX2 Disorder; MICROPHTHALMIA AND ESOPHAGEAL ATRESIA SYNDROME; AEG SYNDROME. Identifiers: Orphanet 77298, MedGen C1859773, MONDO:0008799, OMIM 206900.

Submission:

Greenwood Genetic Center Diagnostic Laboratories, Greenwood Genetic Center
Classification: Likely pathogenic for Anophthalmia/microphthalmia-esophageal atresia syndrome. Last evaluated: 2024-06-13. Review status: criteria provided, single submitter. Criteria: ACMG Guidelines, 2015. Collection method: clinical testing. Allele origin: germline. Affected: yes.
Comment: PVS1, PM2